The following is an entry in ClinVar:

NM_004667.6(HERC2):c.2389A>G (p.Met797Val)

Gene: HERC2 (HECT and RLD domain containing E3 ubiquitin protein ligase 2; minus strand). Cytogenetic location: 15q13.1.
Variant type: single nucleotide variant.
Coding change: c.2389A>G on transcript NM_004667.6 (MANE Select); coding-DNA position 2389, A replaced by G.
Protein change: p.Met797Val; replaces methionine 797 with valine.
Molecular consequence: missense variant.
Genome position (GRCh38, 1-based): chr15:28,257,189, T>C on the plus strand (A>G on the coding strand, the complement: HERC2 is on the minus strand). VCF-style: chr15-28257189-T-C. GRCh37 (hg19) VCF-style: chr15-28502335-T-C.
Other names: short protein forms M797V.
Identifiers: ClinVar variation 218646 (VCV000218646.48), dbSNP rs150930758, ClinGen allele CA249146.

ClinVar aggregate classification (germline): Benign/Likely benign. Review status: criteria provided, multiple submitters, no conflicts (2 of 4 stars). 5 submissions from 5 submitters: Benign (1); Likely benign (3). 1 of the submissions does not count toward it. Last evaluated 2026-09-01.

Conditions:
HERC2-related disorder. Also called: HERC2-related condition.

Allele frequency attached by ClinVar (database versions not stated): gnomAD exomes 0.00167 and 0.00283; 1000 Genomes Project 0.00200; 1000 Genomes Project 30x 0.00203; gnomAD 0.00206 and 0.00219; ESP Exome Variant Server 0.00215; ExAC 0.00258; TOPMed 0.00281.
gnomAD v4.1: 2,928 of 1,613,922 alleles (0.18%); highest among the groups gnomAD compares: Middle Eastern, 3.1%; 24 homozygotes.

Submissions (5):

CeGaT Center for Human Genetics Tuebingen
Classification: Likely benign. Last evaluated: 2026-09-01. Review status: criteria provided, single submitter. Criteria: CeGaT Center For Human Genetics Tuebingen Variant Classification Criteria Version 2. Collection method: clinical testing. Allele origin: germline. Affected: yes. Observed: 26 variant alleles.
Comment: HERC2: BP4, BS2

Labcorp Genetics (formerly Invitae), Labcorp
Classification: Likely benign. Last evaluated: 2019-12-31. Review status: criteria provided, single submitter. Criteria: Invitae Variant Classification Sherloc (09022015). Collection method: clinical testing. Allele origin: germline.

Genomic Diagnostic Laboratory, Division of Genomic Diagnostics, Children's Hospital of Philadelphia
Classification: Benign. Last evaluated: 2015-07-21. Review status: criteria provided, single submitter. Criteria: DGD Variant Analysis Guidelines. Collection method: clinical testing. Allele origin: unknown.

Breakthrough Genomics
Classification: Likely benign. Review status: criteria provided, single submitter. Criteria: ACMG Guidelines, 2015. Collection method: not provided. Allele origin: germline. Inheritance: Autosomal recessive inheritance. Affected: yes.

PreventionGenetics, part of Exact Sciences
Classification: Benign for HERC2-related condition. Last evaluated: 2019-07-11. Review status: no assertion criteria provided. Collection method: clinical testing. Allele origin: germline. Not counted in ClinVar's aggregate classification.
Comment: This variant is classified as benign based on ACMG/AMP sequence variant interpretation guidelines (Richards et al. 2015 PMID: 25741868, with internal and published modifications).